The following is an entry in ClinVar:

ClinVar aggregate classification (germline): Benign/Likely benign. Review status: criteria provided, multiple submitters, no conflicts (2 of 4 stars). 5 submissions from 5 submitters: Benign (1); Likely benign (4). Last evaluated 2026-02-16.

Conditions:
Lynch syndrome. Identifiers: Orphanet 144, MedGen C4552100, MONDO:0005835. Disease mechanism: loss of function.
Hereditary nonpolyposis colorectal neoplasms. Identifiers: MedGen C0009405, MeSH D003123.
Hereditary cancer-predisposing syndrome. Also called: Tumor predisposition; Hereditary Cancer Syndrome; Hereditary neoplastic syndrome; Neoplastic Syndromes, Hereditary. Identifiers: Orphanet 140162, MedGen C0027672, MeSH D009386, MONDO:0015356.
Lynch syndrome 5 (LYNCH5). Also called: Colorectal cancer, hereditary nonpolyposis, type 5; Hereditary non-polyposis colorectal cancer, type 5. Identifiers: Orphanet 144, MedGen C1833477, MONDO:0013710, OMIM 614350. Disease mechanism: loss of function.

Allele frequency attached by ClinVar (database versions not stated): ExAC 0.00001.

Submissions (5):

Ambry Genetics
Classification: Likely benign for Hereditary cancer-predisposing syndrome. Last evaluated: 2026-02-16. Review status: criteria provided, single submitter. Criteria: Ambry Variant Classification Scheme 2023. Collection method: clinical testing. Allele origin: germline.

Labcorp Genetics (formerly Invitae), Labcorp
Classification: Likely benign for Hereditary nonpolyposis colorectal neoplasms. Last evaluated: 2025-04-22. Review status: criteria provided, single submitter. Criteria: Invitae Variant Classification Sherloc (09022015). Collection method: clinical testing. Allele origin: germline.

Center for Genomic Medicine, Rigshospitalet, Copenhagen University Hospital
Classification: Likely benign. Last evaluated: 2025-03-04. Review status: criteria provided, single submitter. Criteria: ACMG Guidelines, 2015. Collection method: clinical testing. Allele origin: germline.

Myriad Genetics, Inc.
Classification: Benign for Lynch syndrome 5. Last evaluated: 2025-01-03. Review status: criteria provided, single submitter. Criteria: Myriad Autosomal Dominant, Autosomal Recessive and X-Linked Classification Criteria (2023). Collection method: clinical testing. Allele origin: unknown.
Comment: This variant is considered benign. This variant is a silent/synonymous amino acid change and it is not expected to impact splicing.

All of Us Research Program, National Institutes of Health
Classification: Likely benign for Lynch syndrome. Last evaluated: 2024-07-10. Review status: criteria provided, single submitter. Criteria: ACMG Guidelines, 2015. Collection method: clinical testing. Allele origin: germline. Inheritance: Autosomal dominant inheritance. Observed: 1 variant allele, 1 heterozygote.
Comment: This study involves interpretation of variants in research participants for the purpose of population health screening. Participant phenotype was not available at the time of variant classification. Additional details can be found in publication PMID: 35346344, PMCID: PMC8962531

NM_000179.3(MSH6):c.3150T>C (p.Ala1050=)

Gene: MSH6 (mutS homolog 6; plus strand). Cytogenetic location: 2p16.3.
Variant type: single nucleotide variant.
Coding change: c.3150T>C on transcript NM_000179.3 (MANE Select); coding-DNA position 3150, T replaced by C.
Protein change: p.Ala1050=; no amino-acid change (alanine 1050 retained).
Molecular consequence: synonymous variant. On other transcripts: non-coding transcript variant (5), intron variant (2).
Genome position (GRCh38, 1-based): chr2:47,801,133, T>C. VCF-style: chr2-47801133-T-C. GRCh37 (hg19) VCF-style: chr2-48028272-T-C.
Other names: c.2760T>C, p.Ala920= (NM_001281492.2); c.2244T>C, p.Ala748= (NM_001281493.2, NM_001281494.2, NM_001406811.1 and 6 more transcripts); c.3246T>C, p.Ala1082= (NM_001406795.1, NM_001406802.1); c.3150T>C, p.Ala1050= (NM_001406796.1, NM_001406798.1, NM_001406800.1 and 2 more transcripts); c.2853T>C, p.Ala951= (NM_001406797.1, NM_001406801.1, NM_001406805.1 and 10 more transcripts); c.2625T>C, p.Ala875= (NM_001406799.1, NM_001406806.1, NM_001406807.1); c.3072T>C, p.Ala1024= (NM_001406804.1); c.3156T>C, p.Ala1052= (NM_001406813.1); and 4 more.
Identifiers: ClinVar variation 1697912 (VCV001697912.11), dbSNP rs776990271, ClinGen allele CA070105.